The following is an entry in ClinVar:

ClinVar aggregate classification (germline): Uncertain significance (1 of 4 stars; one submission).

Submission:

Greenwood Genetic Center Diagnostic Laboratories, Greenwood Genetic Center
Classification: Uncertain significance. Last evaluated: 2023-01-10. Review status: criteria provided, single submitter. Criteria: ACMG Guidelines, 2015. Collection method: clinical testing. Allele origin: germline. Affected: yes.
Comment: PM2, BP4

NM_001022.4(RPS19):c.351A>G (p.Gln117=)

Genes: RPS19 (ribosomal protein S19; plus strand), RPS19-CD79A (RPS19-CD79A readthrough; plus strand). Cytogenetic location: 19q13.2.
Variant type: single nucleotide variant.
Coding change: c.351A>G on transcript NM_001022.4 (MANE Select); coding-DNA position 351, A replaced by G.
Protein change: p.Gln117=; no amino-acid change (glutamine 117 retained).
Molecular consequence: synonymous variant. On other transcripts: missense variant (1).
Genome position (GRCh38, 1-based): chr19:41,869,209, A>G. VCF-style: chr19-41869209-A-G. GRCh37 (hg19) VCF-style: chr19-42373279-A-G.
Other names: c.351A>G, p.Gln117= (NM_001321483.2, NM_001321484.2); c.364A>G, p.Arg122Gly (NM_001321485.2); short protein forms R122G.
Identifiers: ClinVar variation 2505188 (VCV002505188.1), dbSNP rs2513683440, ClinGen allele CA507576406.
Genomic context (GRCh38, chr19:41,869,209, plus strand): 5'-GAGTGTGGCCCGCCGGGTCCTCCAAGCCCTGGAGGGGCTGAAAATGGTGGAAAAGGACCA[A>G]GATGGGTAAGCAGGGTAGAGGGGGCTGCATTGATGGAGTAGCCTTGAGGCCCGGTCATCA-3'
Protein context (NP_001013.1, residues 107-127): LEGLKMVEKD[Gln117=]DGGRKLTPQG